The following is an entry in ClinVar:

ClinVar aggregate classification (germline): Benign/Likely benign. Review status: criteria provided, multiple submitters, no conflicts (2 of 4 stars). 3 submissions from 3 submitters: Benign (1); Likely benign (2). Last evaluated 2026-02-01.

Submissions (3):

CeGaT Center for Human Genetics Tuebingen
Classification: Likely benign. Last evaluated: 2026-02-01. Review status: criteria provided, single submitter. Criteria: CeGaT Center For Human Genetics Tuebingen Variant Classification Criteria Version 2. Collection method: clinical testing. Allele origin: germline. Affected: yes. Observed: 7 variant alleles.
Comment: BPTF: BS1

Labcorp Genetics (formerly Invitae), Labcorp
Classification: Benign. Last evaluated: 2025-10-04. Review status: criteria provided, single submitter. Criteria: Invitae Variant Classification Sherloc (09022015). Collection method: clinical testing. Allele origin: germline.

Blueprint Genetics
Classification: Likely benign. Last evaluated: 2024-10-21. Review status: criteria provided, single submitter. Criteria: ACMG Guidelines, 2015. Collection method: clinical testing. Allele origin: germline.

NM_182641.4(BPTF):c.486GGA[1] (p.Glu163del)

Genes: BPTF (bromodomain PHD finger transcription factor; plus strand), LOC130061496 (ATAC-STARR-seq lymphoblastoid active region 12632; plus strand). Cytogenetic location: 17q24.2.
Variant type: Microsatellite.
Coding change: c.486GGA[1] on transcript NM_182641.4 (MANE Select); one copy of the 3-base unit GGA starting at c.486; the reference has two copies in a row; one copy, 3 bases deleted.
Protein change: p.Glu163del; deletes glutamic acid 163.
Molecular consequence: inframe deletion.
Genome position (GRCh38, 1-based): chr17:67,826,213-67,826,215, GGA deleted; deleting any 3 consecutive bases within chr17:67,826,208-67,826,215 gives the same sequence; the position shown is the placement nearest the transcript's 3' end. VCF-style (leftmost placement, unchanged base first): chr17-67826207-CGAG-C. GRCh37 (hg19) VCF-style: chr17-65822323-CGAG-C.
Other names: c.486GGA[1], p.Glu163del (NM_004459.7); short protein forms E163del.
Identifiers: ClinVar variation 1971921 (VCV001971921.30), dbSNP rs780487984, ClinGen allele CA8724991.
Genomic context (GRCh38, chr17:67,826,207, plus strand): 5'-CTCCGAGGAGGAGGAGGAGGAGGACGGCGACGCCGAGGAGACCCAGGATTCTGAGGACGA[CGAG>C]GAGGATGAGATGGAAGAGGACGACGATGACTCCGATTATCCGGAGGAGATGGAAGACGAC-3'